The following is an entry in ClinVar:

NM_001040108.2(MLH3):c.3278A>T (p.Asn1093Ile)

Gene: MLH3 (mutL homolog 3; minus strand). Cytogenetic location: 14q24.3.
Variant type: single nucleotide variant.
Coding change: c.3278A>T on transcript NM_001040108.2 (MANE Select); coding-DNA position 3278, A replaced by T.
Protein change: p.Asn1093Ile; replaces asparagine 1093 with isoleucine.
Molecular consequence: missense variant.
Genome position (GRCh38, 1-based): chr14:75,046,378, T>A on the plus strand (A>T on the coding strand, the complement: MLH3 is on the minus strand). VCF-style: chr14-75046378-T-A. GRCh37 (hg19) VCF-style: chr14-75513081-T-A.
Other names: c.3278A>T, p.Asn1093Ile (NM_014381.3); short protein forms N1093I.
Identifiers: ClinVar variation 4055527 (VCV004055527.1).
Genomic context (GRCh38, chr14:75,046,378, plus strand): 5'-CTTGTCCAGCATTCCCATCTTCAAAAGCATCTCATGCACATGAATACTACGTACTTACCA[T>A]TCTCAAGTACAACATCCACAGCCACAGTTGTCAGGTCTTTAGTACAAGCAGCCTGAATGT-3'
Protein context (NP_001035197.1, residues 1083-1103): TTVAVDVVLE[Asn1093Ile]GSQYRCQPFR

ClinVar aggregate classification (germline): Uncertain significance (1 of 4 stars; one submission).

Submission:

Ambry Genetics
Classification: Uncertain significance. Last evaluated: 2025-06-14. Review status: criteria provided, single submitter. Criteria: Ambry Variant Classification Scheme 2023. Collection method: clinical testing. Allele origin: germline.
Comment: The p.N1093I variant (also known as c.3278A>T), located in coding exon 1 of the MLH3 gene, results from an A to T substitution at nucleotide position 3278. The asparagine at codon 1093 is replaced by isoleucine, an amino acid with dissimilar properties. This amino acid position is conserved. In addition, the in silico prediction for this alteration is inconclusive. Based on the available evidence, the clinical significance of this variant remains unclear.